The following is an entry in ClinVar:

NM_001077365.2(POMT1):c.-30-16C>T

Gene: POMT1 (protein O-mannosyltransferase 1; plus strand). Cytogenetic location: 9q34.13.
Variant type: single nucleotide variant.
Coding change: c.-30-16C>T on transcript NM_001077365.2 (MANE Select); 16 bases into the intron before 30 bases upstream of the start codon, C replaced by T.
Molecular consequence: intron variant.
Genome position (GRCh38, 1-based): chr9:131,504,173, C>T. VCF-style: chr9-131504173-C-T. GRCh37 (hg19) VCF-style: chr9-134379560-C-T.
Other names: c.-501-16C>T (NM_001353198.2); c.-30-16C>T (NM_001353193.2, NM_001136113.2, NM_007171.4 and 2 more transcripts); c.-41+860C>T (NM_001353194.2); c.-72+860C>T (NM_001374691.1); c.-274-16C>T (NM_001353195.2); c.-223-16C>T (NM_001374692.1); c.-181-16C>T (NM_001374695.1); c.-41+1100C>T (NM_001374689.1, NM_001353197.2, NM_001077366.2 and 1 more transcripts); and 2 more.
Identifiers: ClinVar variation 509284 (VCV000509284.1), dbSNP rs771949915, ClinGen allele CA5293116.

ClinVar aggregate classification (germline): Likely benign (1 of 4 stars; one submission).

Allele frequency attached by ClinVar (database versions not stated): ExAC 0.00002; gnomAD exomes 0.00002 and 0.00006; gnomAD 0.00003; TOPMed 0.00003.
gnomAD v4.1: 86 of 1,613,728 alleles (0.0053%); highest among the groups gnomAD compares: Non-Finnish European, 0.0068%; no homozygotes.

Submission:

GeneDx
Classification: Likely benign. Last evaluated: 2017-04-26. Review status: criteria provided, single submitter. Criteria: GeneDx Variant Classification (06012015). Collection method: clinical testing. Allele origin: germline. Affected: yes.
Comment: This variant is considered likely benign or benign based on one or more of the following criteria: it is a conservative change, it occurs at a poorly conserved position in the protein, it is predicted to be benign by multiple in silico algorithms, and/or has population frequency not consistent with disease.